The following is an entry in ClinVar:

ClinVar aggregate classification (germline): Benign (3 of 4 stars; one submission).

Conditions:
Breast-ovarian cancer, familial, susceptibility to, 2 (BROVCA2). Also called: BRCA2 Hereditary Breast and Ovarian Cancer. Identifiers: Orphanet 145, MedGen C2675520, MONDO:0012933, OMIM 612555. Disease mechanism: loss of function.

Submission:

Evidence-based Network for the Interpretation of Germline Mutant Alleles (ENIGMA)
Classification: Benign for Breast-ovarian cancer, familial 2. Last evaluated: 2015-01-12. Review status: reviewed by expert panel. Criteria: ENIGMA BRCA1/2 Classification Criteria (2015). Collection method: curation. Allele origin: germline.
Comment: Class 1 not pathogenic based on frequency >1% in an outbred sampleset. Frequency 0.55 (Asian), 0.51 (African), 0.54 (European), derived from 1000 genomes (2012-04-30).

NM_000059.4(BRCA2):c.9648+534dup

Gene: BRCA2 (BRCA2 DNA repair associated; plus strand). Cytogenetic location: 13q13.1.
Variant type: Duplication.
Coding change: c.9648+534dup on transcript NM_000059.4 (MANE Select); 534 bases into the intron after coding-DNA position 9648, one base duplicated (T; older notation c.9648+534dupT).
Molecular consequence: intron variant.
Genome position (GRCh38, 1-based): chr13:32,397,578, T duplicated; the last of 9 consecutive T bases (chr13:32,397,570-32,397,578); duplicating any one gives the same sequence. VCF-style (leftmost placement, unchanged base first): chr13-32397569-A-AT. GRCh37 (hg19) VCF-style: chr13-32971706-A-AT.
Other names: IVS 26+525insT; c.9648+525_9648+526insT (NM_000059.3).
Identifiers: ClinVar variation 209921 (VCV000209921.1), dbSNP rs398022220, ClinGen allele CA276888.